The following is an entry in ClinVar:

NM_001126108.2(SLC12A3):c.1143G>A (p.Trp381Ter)

Gene: SLC12A3 (solute carrier family 12 member 3; plus strand). Cytogenetic location: 16q13.
Variant type: single nucleotide variant.
Coding change: c.1143G>A on transcript NM_001126108.2 (MANE Select); coding-DNA position 1143, G replaced by A.
Protein change: p.Trp381Ter; replaces tryptophan 381 with a stop codon.
Molecular consequence: nonsense.
Genome position (GRCh38, 1-based): chr16:56,878,124, G>A. VCF-style: chr16-56878124-G-A. GRCh37 (hg19) VCF-style: chr16-56912036-G-A.
Other names: c.1143G>A, p.Trp381Ter (NM_000339.3); c.1140G>A, p.Trp380Ter (NM_001126107.2, NM_001410896.1); short protein forms W381*, W380*.
Identifiers: ClinVar variation 2137821 (VCV002137821.4), dbSNP rs1438609866, ClinGen allele CA395984999.
Genomic context (GRCh38, chr16:56,878,124, plus strand): 5'-CTCCCTCCTTCAGGACCCTGCTATAGCCATCCCCAAGGGGACCCTCATGGCCATTTTCTG[G>A]ACGACCATTTCCTACCTGGCCATCTCAGCCACCATTGGTAAGTGGCCGGCCCAGCCAGTC-3'

ClinVar aggregate classification (germline): Pathogenic (1 of 4 stars; one submission).

Submission:

Labcorp Genetics (formerly Invitae), Labcorp
Classification: Pathogenic. Last evaluated: 2025-02-22. Review status: criteria provided, single submitter. Criteria: Invitae Variant Classification Sherloc (09022015). Collection method: clinical testing. Allele origin: germline.
Comment: This sequence change creates a premature translational stop signal (p.Trp381*) in the SLC12A3 gene. It is expected to result in an absent or disrupted protein product. Loss-of-function variants in SLC12A3 are known to be pathogenic (PMID: 20848653, 22009145, 25841442). This variant is not present in population databases (gnomAD no frequency). This premature translational stop signal has been observed in individual(s) with Gitelman syndrome (PMID: 21415153). ClinVar contains an entry for this variant (Variation ID: 2137821). For these reasons, this variant has been classified as Pathogenic.

Literature cited by the submitters: PubMed 20848653; PubMed 22009145; PubMed 25841442; PubMed 21415153.